The following is an entry in ClinVar:

NM_003998.4(NFKB1):c.835+1G>A

Gene: NFKB1 (nuclear factor kappa B subunit 1; plus strand). Cytogenetic location: 4q24.
Variant type: single nucleotide variant.
Coding change: c.835+1G>A on transcript NM_003998.4 (MANE Select); the canonical splice donor site of the intron after coding-DNA position 835, G replaced by A.
Molecular consequence: splice donor variant.
Genome position (GRCh38, 1-based): chr4:102,580,640, G>A. VCF-style: chr4-102580640-G-A. GRCh37 (hg19) VCF-style: chr4-103501797-G-A.
Other names: c.835+1G>A (NM_001382626.1, NM_001382625.1); c.832+1G>A (NM_001382627.1, NM_001165412.2, NM_001319226.2); c.793+1G>A (NM_001382628.1).
Identifiers: ClinVar variation 450272 (VCV000450272.2), dbSNP rs1553934395, ClinGen allele CA357960188.
Genomic context (GRCh38, chr4:102,580,640, plus strand): 5'-CAGCTGGATGTGTGACTGGAGGGGAGGAAATTTATCTTCTTTGTGACAAAGTTCAGAAAG[G>A]TAAATACATTCTGTGATCTCTGATCTCAAGAGGTGTGATCTTGACACACTACAGTTCTGA-3'

ClinVar aggregate classification (germline): Likely pathogenic (1 of 4 stars; one submission).

Submission:

GeneDx
Classification: Likely pathogenic. Last evaluated: 2017-07-11. Review status: criteria provided, single submitter. Criteria: GeneDx Variant Classification (06012015). Collection method: clinical testing. Allele origin: germline. Affected: yes.
Comment: The c.835+1G>A variant in the NFKB1 gene has not been reported previously as a pathogenic variant nor as a benign variant, to our knowledge. This splice site variant destroys the canonical splice donor site in intron 9. It is predicted to cause abnormal gene splicing, either leading to an abnormal message that is subject to nonsense-mediated mRNA decay, or to an abnormal protein product if the message is used for protein translation. The c.835+1G>A variant is not observed in large population cohorts (Lek et al., 2016; 1000 Genomes Consortium et al., 2015; Exome Variant Server). We interpret c.835+1G>A as a likely pathogenic variant.